The following is an entry in ClinVar:

NM_014339.7(IL17RA):c.1675C>T (p.Leu559=)

Gene: IL17RA (interleukin 17 receptor A; plus strand). Cytogenetic location: 22q11.1.
Variant type: single nucleotide variant.
Coding change: c.1675C>T on transcript NM_014339.7 (MANE Select); coding-DNA position 1675, C replaced by T.
Protein change: p.Leu559=; no amino-acid change (leucine 559 retained).
Molecular consequence: synonymous variant.
Genome position (GRCh38, 1-based): chr22:17,108,894, C>T. VCF-style: chr22-17108894-C-T. GRCh37 (hg19) VCF-style: chr22-17589784-C-T.
Other names: c.1573C>T, p.Leu525= (NM_001289905.2).
Identifiers: ClinVar variation 2057429 (VCV002057429.6), dbSNP rs751753949, ClinGen allele CA10086819.

ClinVar aggregate classification (germline): Likely benign. Review status: criteria provided, single submitter (1 of 4 stars). 2 submissions from 2 submitters: Likely benign (1). 1 of the submissions does not count toward it. Last evaluated 2024-01-29.

Conditions:
IL17RA-related disorder. Also called: IL17RA-related condition.
Immunodeficiency 51 (IMD51). Also called: CANDIDIASIS, FAMILIAL, 5. Identifiers: Orphanet 1334, MedGen C4310803, MONDO:0013500, OMIM 613953.

gnomAD v4.1: 21 of 1,611,204 alleles (0.0013%); highest among the groups gnomAD compares: Admixed American, 0.0067%; no homozygotes.

Submissions (2):

Labcorp Genetics (formerly Invitae), Labcorp
Classification: Likely benign for Immunodeficiency 51. Last evaluated: 2024-01-29. Review status: criteria provided, single submitter. Criteria: Invitae Variant Classification Sherloc (09022015). Collection method: clinical testing. Allele origin: germline.

PreventionGenetics, part of Exact Sciences
Classification: Likely benign for IL17RA-related condition. Last evaluated: 2020-02-14. Review status: no assertion criteria provided. Collection method: clinical testing. Allele origin: germline. Not counted in ClinVar's aggregate classification.
Comment: This variant is classified as likely benign based on ACMG/AMP sequence variant interpretation guidelines (Richards et al. 2015 PMID: 25741868, with internal and published modifications).